The following is an entry in ClinVar:

NM_017780.4(CHD7):c.5092G>T (p.Val1698Leu)

Gene: CHD7 (chromodomain helicase DNA binding protein 7; plus strand). Cytogenetic location: 8q12.2.
Variant type: single nucleotide variant.
Coding change: c.5092G>T on transcript NM_017780.4 (MANE Select); coding-DNA position 5092, G replaced by T.
Protein change: p.Val1698Leu; replaces valine 1698 with leucine.
Molecular consequence: missense variant. On other transcripts: intron variant (1).
Genome position (GRCh38, 1-based): chr8:60,845,291, G>T. VCF-style: chr8-60845291-G-T. GRCh37 (hg19) VCF-style: chr8-61757850-G-T.
Other names: c.1717-16938G>T (NM_001316690.1); short protein forms V1698L.
Identifiers: ClinVar variation 1045889 (VCV001045889.10), dbSNP rs777744183, ClinGen allele CA4760259.

ClinVar aggregate classification (germline): Conflicting classifications of pathogenicity. Review status: criteria provided, conflicting classifications (1 of 4 stars). 3 submissions from 3 submitters: Uncertain significance (2); Likely benign (1). Last evaluated 2024-06-17.

Conditions:
CHARGE syndrome (CHARGE). Also called: Hittner Hirsch Kreh syndrome; Coloboma, heart anomaly, choanal atresia, retardation, genital and ear anomalies; CHARGE association; Hall-Hittner syndrome; CHARGE ASSOCIATION--COLOBOMA, HEART ANOMALY, CHOANAL ATRESIA, RETARDATION, GENITAL AND EAR ANOMALIES. Identifiers: Orphanet 138, MedGen C0265354, MONDO:0008965.
Hypogonadotropic hypogonadism 5 with or without anosmia (KAL5). Also called: HYPOGONADOTROPIC HYPOGONADISM 5 WITH ANOSMIA; HYPOGONADOTROPHIC HYPOGONADISM 5 WITHOUT ANOSMIA; CHD7-Related GnRH Deficiency (Kallmann Syndrome 5). Identifiers: Orphanet 478, MedGen C3552553, MONDO:0012880, OMIM 612370. Disease mechanism: loss of function.

Allele frequency attached by ClinVar (database versions not stated): gnomAD exomes below 0.00001; ExAC 0.00001.
gnomAD v4.1: 1 of 1,613,760 alleles (0.000062%); highest among the groups gnomAD compares: Non-Finnish European, 0.000085%; no homozygotes.

Submissions (3):

Fulgent Genetics
Classification: Uncertain significance for CHD7-related CHARGE syndrome; Hypogonadotropic hypogonadism 5 with or without anosmia. Last evaluated: 2024-06-17. Review status: criteria provided, single submitter. Criteria: ACMG Guidelines, 2015. Collection method: clinical testing. Allele origin: germline.

Women's Health and Genetics/Laboratory Corporation of America, LabCorp
Classification: Uncertain significance. Last evaluated: 2024-04-08. Review status: criteria provided, single submitter. Criteria: LabCorp Variant Classification Summary - May 2015. Collection method: clinical testing. Allele origin: germline.
Comment: Variant summary: CHD7 c.5092G>T (p.Val1698Leu) results in a conservative amino acid change in the encoded protein sequence. Four of five in-silico tools predict a benign effect of the variant on protein function. The variant allele was found at a frequency of 4e-06 in 248982 control chromosomes (gnomAD). The available data on variant occurrences in the general population are insufficient to allow any conclusion about variant significance. To our knowledge, no occurrence of c.5092G>T in individuals affected with Hypogonadotropic Hypogonadism 5 With Or Without Anosmia and no experimental evidence demonstrating its impact on protein function have been reported. ClinVar contains an entry for this variant (Variation ID: 1045889). Based on the evidence outlined above, the variant was classified as uncertain significance.

Labcorp Genetics (formerly Invitae), Labcorp
Classification: Likely benign for CHARGE syndrome. Last evaluated: 2022-09-01. Review status: criteria provided, single submitter. Criteria: Invitae Variant Classification Sherloc (09022015). Collection method: clinical testing. Allele origin: germline.